The following is an entry in ClinVar:

ClinVar aggregate classification (germline): Uncertain significance. Review status: criteria provided, single submitter (1 of 4 stars). 2 submissions from 1 submitter: Uncertain significance (2). Last evaluated 2022-11-03.

Conditions:
Long QT syndrome 6 (LQT6). Identifiers: Orphanet 101016, Orphanet 768, MedGen C3150953, MONDO:0013370, OMIM 613693.
Long QT syndrome (LQTS). Identifiers: MedGen C0023976, MeSH D008133, MONDO:0002442. Disease mechanism: loss of function. Inheritance: Various modes of inheritance.

Submissions (2):

Labcorp Genetics (formerly Invitae), Labcorp
Classification: Uncertain significance for Long QT syndrome. Last evaluated: 2022-11-03. Review status: criteria provided, single submitter. Criteria: Invitae Variant Classification Sherloc (09022015). Collection method: clinical testing. Allele origin: germline.
Comment: A copy number gain of the genomic region encompassing the full coding sequence of the KCNE1 gene has been identified. The boundaries of this event are unknown as they extend beyond the assayed region for this gene and therefore may encompass additional genes. As the precise location of this event is unknown, it may be in tandem or it may be located elsewhere in the genome. Isolated whole-gene copy number gains of KCNE1 have not been reported in the literature. However, larger copy number events that include this gene have been reported (PMID: 25640679). In summary, the available evidence is currently insufficient to determine the role of this variant in disease. Therefore, it has been classified as a Variant of Uncertain Significance.

Labcorp Genetics (formerly Invitae), Labcorp
Classification: Uncertain significance for Long QT syndrome 6. Last evaluated: 2022-11-01. Review status: criteria provided, single submitter. Criteria: Invitae Variant Classification Sherloc (09022015). Collection method: clinical testing. Allele origin: germline.
Comment: A copy number gain of the genomic region encompassing the full coding sequence of the KCNE2 gene has been identified. The boundaries of this event are unknown as they extend beyond the assayed region for this gene and therefore may encompass additional genes. As the precise location of this event is unknown, it may be in tandem or it may be located elsewhere in the genome. Isolated whole-gene copy number gains of KCNE2 have not been reported in the literature. However, larger copy number events that include this gene have been reported (PMID: 25640679). In summary, the available evidence is currently insufficient to determine the role of this variant in disease. Therefore, it has been classified as a Variant of Uncertain Significance.

Literature cited by the submitters: PubMed 25640679.

NC_000021.8:g.(?_35742778)_(35821932_?)dup

Genes: KCNE1 (potassium voltage-gated channel subfamily E regulatory subunit 1; minus strand), KCNE2 (potassium voltage-gated channel subfamily E regulatory subunit 2; plus strand), SMIM11 (small integral membrane protein 11; plus strand). Cytogenetic location: 21q22.11-22.12.
Variant type: Duplication.
Identifiers: ClinVar variation 1420029 (VCV001420029.4).